The following is an entry in ClinVar:

ClinVar aggregate classification (germline): Uncertain significance (1 of 4 stars; one submission).

Conditions:
Cardiovascular phenotype. Identifiers: MedGen CN230736.

Submission:

Ambry Genetics
Classification: Uncertain significance for Cardiovascular phenotype. Last evaluated: 2023-02-26. Review status: criteria provided, single submitter. Criteria: Ambry Variant Classification Scheme 2023. Collection method: clinical testing. Allele origin: germline.
Comment: The p.E3500D variant (also known as c.10500A>C), located in coding exon 42 of the AKAP9 gene, results from an A to C substitution at nucleotide position 10500. The glutamic acid at codon 3500 is replaced by aspartic acid, an amino acid with highly similar properties. This amino acid position is conserved. In addition, this alteration is predicted to be tolerated by in silico analysis. Since supporting evidence is limited at this time, the clinical significance of this alteration remains unclear.

NM_005751.5(AKAP9):c.10500A>C (p.Glu3500Asp)

Gene: AKAP9 (A-kinase anchoring protein 9; plus strand). Cytogenetic location: 7q21.2.
Variant type: single nucleotide variant.
Coding change: c.10500A>C on transcript NM_005751.5 (MANE Select); coding-DNA position 10500, A replaced by C.
Protein change: p.Glu3500Asp; replaces glutamic acid 3500 with aspartic acid.
Molecular consequence: missense variant.
Genome position (GRCh38, 1-based): chr7:92,097,687, A>C. VCF-style: chr7-92097687-A-C. GRCh37 (hg19) VCF-style: chr7-91727001-A-C.
Other names: c.5145A>C, p.Glu1715Asp (NM_001379277.1); c.10476A>C, p.Glu3492Asp (NM_147185.3); short protein forms E3500D, E3492D, E1715D.
Identifiers: ClinVar variation 2449794 (VCV002449794.2), dbSNP rs2535302847, ClinGen allele CA368156670.